The following is an entry in ClinVar:

NM_000038.6(APC):c.7942G>T (p.Ala2648Ser)

Gene: APC (APC regulator of Wnt signaling pathway; plus strand). Cytogenetic location: 5q22.2.
Variant type: single nucleotide variant.
Coding change: c.7942G>T on transcript NM_000038.6 (MANE Select); coding-DNA position 7942, G replaced by T.
Protein change: p.Ala2648Ser; replaces alanine 2648 with serine.
Molecular consequence: missense variant.
Genome position (GRCh38, 1-based): chr5:112,843,536, G>T. VCF-style: chr5-112843536-G-T. GRCh37 (hg19) VCF-style: chr5-112179233-G-T.
Other names: c.7942G>T, p.Ala2648Ser (NM_001127510.3, NM_001354895.2); c.7888G>T, p.Ala2630Ser (NM_001127511.3); c.7996G>T, p.Ala2666Ser (NM_001354896.2); c.7972G>T, p.Ala2658Ser (NM_001354897.2); c.7867G>T, p.Ala2623Ser (NM_001354898.2); c.7858G>T, p.Ala2620Ser (NM_001354899.2); c.7819G>T, p.Ala2607Ser (NM_001354900.2); c.7765G>T, p.Ala2589Ser (NM_001354901.2); and 5 more; short protein forms A2630S, A2648S, A2547S, A2557S, A2658S, A2666S, A2488S, A2522S.
Identifiers: ClinVar variation 470118 (VCV000470118.13), dbSNP rs1195417407, ClinGen allele CA16038581.

ClinVar aggregate classification (germline): Uncertain significance. Review status: criteria provided, multiple submitters, no conflicts (2 of 4 stars). 4 submissions from 4 submitters: Uncertain significance (3). 1 of the submissions does not count toward it. Last evaluated 2026-01-13.

Conditions:
Hereditary cancer-predisposing syndrome. Also called: Hereditary neoplastic syndrome; Hereditary Cancer Syndrome; Tumor predisposition; Neoplastic Syndromes, Hereditary. Identifiers: Orphanet 140162, MedGen C0027672, MeSH D009386, MONDO:0015356.
Familial adenomatous polyposis 1 (FAP1). Also called: FAMILIAL ADENOMATOUS POLYPOSIS 1, ATTENUATED; POLYPOSIS, ADENOMATOUS INTESTINAL. Identifiers: MedGen C2713442, MONDO:0021056, OMIM 175100. Disease mechanism: loss of function.
Carcinoma of colon (CRC). Also called: Colon carcinoma; Colonic carcinoma. Identifiers: MedGen C0699790, MONDO:0002032.

Allele frequency attached by ClinVar (database versions not stated): gnomAD exomes below 0.00001; TOPMed below 0.00001.
gnomAD v4.1: 1 of 1,613,648 alleles (0.000062%); highest among the groups gnomAD compares: Non-Finnish European, 0.000085%; no homozygotes.

Submissions (4):

Labcorp Genetics (formerly Invitae), Labcorp
Classification: Uncertain significance for Familial adenomatous polyposis 1. Last evaluated: 2026-01-13. Review status: criteria provided, single submitter. Criteria: Invitae Variant Classification Sherloc (09022015). Collection method: clinical testing. Allele origin: germline.
Comment: This sequence change replaces alanine, which is neutral and non-polar, with serine, which is neutral and polar, at codon 2648 of the APC protein (p.Ala2648Ser). This variant is not present in population databases (gnomAD no frequency). This missense change has been observed in individual(s) with APC-related conditions (PMID: 34326862). ClinVar contains an entry for this variant (Variation ID: 470118). Invitae Evidence Modeling of protein sequence and biophysical properties (such as structural, functional, and spatial information, amino acid conservation, physicochemical variation, residue mobility, and thermodynamic stability) indicates that this missense variant is not expected to disrupt APC protein function with a negative predictive value of 95%. In summary, the available evidence is currently insufficient to determine the role of this variant in disease. Therefore, it has been classified as a Variant of Uncertain Significance.

Ambry Genetics
Classification: Uncertain significance for Hereditary cancer-predisposing syndrome. Last evaluated: 2024-12-03. Review status: criteria provided, single submitter. Criteria: Ambry Variant Classification Scheme 2023. Collection method: clinical testing. Allele origin: germline.
Comment: The p.A2648S variant (also known as c.7942G>T), located in coding exon 15 of the APC gene, results from a G to T substitution at nucleotide position 7942. The alanine at codon 2648 is replaced by serine, an amino acid with similar properties. This amino acid position is well conserved in available vertebrate species. In addition, in silico predictors for this gene do not accurately predict pathogenicity. Missense alterations in APC are not a common cause of disease (Spier I et al. Genet Med. 2024 Feb;26(2):100992). Based on the available evidence, the clinical significance of this variant remains unclear.

Color Diagnostics, LLC DBA Color Health
Classification: Uncertain significance for Hereditary cancer-predisposing syndrome. Last evaluated: 2024-01-22. Review status: criteria provided, single submitter. Criteria: ACMG Guidelines, 2015. Collection method: clinical testing. Allele origin: germline.
Comment: This missense variant replaces alanine with serine at codon 2648 of the APC protein. Computational prediction suggests that this variant may not impact protein structure and function (internally defined REVEL score threshold <= 0.5, PMID: 27666373). To our knowledge, functional studies have not been reported for this variant. This variant has not been reported in individuals affected with APC-related disorders in the literature. This variant has not been identified in the general population by the Genome Aggregation Database (gnomAD). The available evidence is insufficient to determine the role of this variant in disease conclusively. Therefore, this variant is classified as a Variant of Uncertain Significance.

Department of Pathology and Laboratory Medicine, Sinai Health System
Classification: Uncertain significance for Carcinoma of colon. Review status: no assertion criteria provided. Collection method: clinical testing. Allele origin: unknown. Affected: yes. Study: The Canadian Open Genetics Repository (COGR). Not counted in ClinVar's aggregate classification.
Comment: The APC p.Ala2648Ser variant was not identified in the literature nor was it identified in the dbSNP, ClinVar, GeneInsight-COGR, Cosmic, MutDB, UMD-LSDB, Insight Colon Cancer Gene Variant Database and Zhejiang Colon Cancer Databases. The variant was not identified in the 1000 Genomes Project, the NHLBI GO Exome Sequencing Project or the Exome Aggregation Consortium (August 8th 2016) control databases. The p.Ala2648 residue is conserved in mammals and computational analyses (PolyPhen-2, SIFT, AlignGVGD, BLOSUM, MutationTaster) provide inconsistent predictions regarding the impact to the protein; this information is not very predictive of pathogenicity. The variant occurs outside of the splicing consensus sequence and 1 of 5 in silico or computational prediction software programs (SpliceSiteFinder, MaxEntScan, NNSPLICE, GeneSplicer, HumanSpliceFinder) predict a greater than 10% difference in splicing; this is not very predictive of pathogenicity. In summary, based on the above information the clinical significance of this variant cannot be determined with certainty at this time. This variant is classified as a variant of uncertain significance.

Literature cited by the submitters: PubMed 34326862 (cited by Labcorp Genetics (formerly Invitae), Labcorp).